The following is an entry in ClinVar:

ClinVar aggregate classification (germline): Uncertain significance (1 of 4 stars; one submission).

Conditions:
SUPT5H-related condition.

gnomAD v4.1: 11 of 1,614,180 alleles (0.00068%); highest among the groups gnomAD compares: Non-Finnish European, 0.00085%; no homozygotes.

Submission:

PreventionGenetics, part of Exact Sciences
Classification: Uncertain significance for SUPT5H-related condition. Last evaluated: 2025-07-20. Review status: criteria provided, single submitter. Criteria: ACMG Guidelines, 2015. Collection method: clinical testing. Allele origin: germline.
Comment: The SUPT5H c.928C>T variant is predicted to result in the amino acid substitution p.Arg310Cys. To our knowledge, this variant has not been reported in the literature or in a large population database (gnomAD), indicating this variant is rare. At this time, the clinical significance of this variant is uncertain due to the absence of conclusive functional and genetic evidence.

NM_001111020.3(SUPT5H):c.928C>T (p.Arg310Cys)

Gene: SUPT5H (SPT5 homolog, DSIF elongation factor subunit; plus strand). Cytogenetic location: 19q13.2.
Variant type: single nucleotide variant.
Coding change: c.928C>T on transcript NM_001111020.3 (MANE Select); coding-DNA position 928, C replaced by T.
Protein change: p.Arg310Cys; replaces arginine 310 with cysteine.
Molecular consequence: missense variant.
Genome position (GRCh38, 1-based): chr19:39,466,531, C>T. VCF-style: chr19-39466531-C-T. GRCh37 (hg19) VCF-style: chr19-39957171-C-T.
Other names: c.928C>T, p.Arg310Cys (NM_001130824.2, NM_001319990.2, NM_003169.4); c.916C>T, p.Arg306Cys (NM_001130825.2, NM_001319991.2); short protein forms R306C, R310C.
Identifiers: ClinVar variation 4986735 (VCV004986735.1).